The following is an entry in ClinVar:

ClinVar aggregate classification (germline): Uncertain significance (1 of 4 stars; one submission).

Conditions:
Hereditary spastic paraplegia 39 (SPG39). Also called: SPASTIC PARAPLEGIA 39, AUTOSOMAL RECESSIVE; Spastic Paraplegia Type 39 (SPG39). Identifiers: Orphanet 139480, MedGen C2677586, MONDO:0012787, OMIM 612020.

Submission:

Labcorp Genetics (formerly Invitae), Labcorp
Classification: Uncertain significance for Hereditary spastic paraplegia 39. Last evaluated: 2024-01-04. Review status: criteria provided, single submitter. Criteria: Invitae Variant Classification Sherloc (09022015). Collection method: clinical testing. Allele origin: germline.
Comment: This sequence change replaces alanine, which is neutral and non-polar, with threonine, which is neutral and polar, at codon 3 of the PNPLA6 protein (p.Ala3Thr). This variant is not present in population databases (gnomAD no frequency). This variant has not been reported in the literature in individuals affected with PNPLA6-related conditions. Advanced modeling of protein sequence and biophysical properties (such as structural, functional, and spatial information, amino acid conservation, physicochemical variation, residue mobility, and thermodynamic stability) has been performed at Invitae for this missense variant, however the output from this modeling did not meet the statistical confidence thresholds required to predict the impact of this variant on PNPLA6 protein function. In summary, the available evidence is currently insufficient to determine the role of this variant in disease. Therefore, it has been classified as a Variant of Uncertain Significance.

NC_000019.10:g.7535557G>A

Genes: PNPLA6 (patatin like domain 6, lysophospholipase; plus strand), LOC130063377 (ATAC-STARR-seq lymphoblastoid active region 13887; plus strand). Cytogenetic location: 19p13.2.
Variant type: single nucleotide variant.
Molecular consequence: missense variant (on NM_001166111.2).
Genome position: GRCh38 VCF-style: chr19-7535557-G-A. GRCh37 (hg19) VCF-style: chr19-7600443-G-A.
Other names: c.7G>A, p.Ala3Thr (NM_001166111.2, NM_001166112.2, NM_001166113.1 and 1 more transcripts); short protein forms A3T.
Identifiers: ClinVar variation 2768502 (VCV002768502.3), dbSNP rs2512484478, ClinGen allele CA403093408.
Genomic context (GRCh38, chr19:7,535,557, plus strand): 5'-TTGATTTCCCAGGACTCCGGGCTACCAGATCGGCCGTCCAGCTGGAATCAACCGATGGAG[G>A]CTCCGCTGCAAACTGGAATGGTAAGGGGTGGGGCGGAGACCGGGTAGGTGCCGGCGTGGG-3'